The following is an entry in ClinVar:

ClinVar aggregate classification (germline): Likely benign (1 of 4 stars; one submission).

gnomAD v4.1: 2 of 1,613,612 alleles (0.00012%); highest among the groups gnomAD compares: Non-Finnish European, 0.00017%; no homozygotes.

Submission:

CeGaT Center for Human Genetics Tuebingen
Classification: Likely benign. Last evaluated: 2025-02-01. Review status: criteria provided, single submitter. Criteria: CeGaT Center For Human Genetics Tuebingen Variant Classification Criteria Version 2. Collection method: clinical testing. Allele origin: germline. Affected: yes. Observed: 1 variant allele.
Comment: TMEM94: BP4, BP7

NM_014738.6(TMEM94):c.2322C>T (p.Gly774=)

Gene: TMEM94 (transmembrane protein 94; plus strand). Cytogenetic location: 17q25.1.
Variant type: single nucleotide variant.
Coding change: c.2322C>T on transcript NM_014738.6 (MANE Select); coding-DNA position 2322, C replaced by T.
Protein change: p.Gly774=; no amino-acid change (glycine 774 retained).
Molecular consequence: synonymous variant.
Genome position (GRCh38, 1-based): chr17:75,493,831, C>T. VCF-style: chr17-75493831-C-T. GRCh37 (hg19) VCF-style: chr17-73489912-C-T.
Other names: c.2352C>T, p.Gly784= (NM_001321148.2, NM_001351203.2); c.2334C>T, p.Gly778= (NM_001321149.2); c.2274C>T, p.Gly758= (NM_001351202.2).
Identifiers: ClinVar variation 3771779 (VCV003771779.13).